The following is an entry in ClinVar:

ClinVar aggregate classification (germline): Uncertain significance. Review status: criteria provided, multiple submitters, no conflicts (2 of 4 stars). 2 submissions from 2 submitters: Uncertain significance (2). Last evaluated 2026-01-25.

Conditions:
Hereditary cancer-predisposing syndrome. Also called: Hereditary neoplastic syndrome; Neoplastic Syndromes, Hereditary; Tumor predisposition; Hereditary Cancer Syndrome. Identifiers: Orphanet 140162, MedGen C0027672, MeSH D009386, MONDO:0015356.
Neuroblastoma, susceptibility to, 3. Also called: ALK-Related Neuroblastic Tumor Susceptibility. Identifiers: Orphanet 635, MedGen C2751681, MONDO:0013083, OMIM 613014.

Allele frequency attached by ClinVar (database versions not stated): gnomAD exomes 0.00001.
gnomAD v4.1: 11 of 1,613,704 alleles (0.00068%); highest among the groups gnomAD compares: Non-Finnish European, 0.00068%; no homozygotes.

Submissions (2):

Labcorp Genetics (formerly Invitae), Labcorp
Classification: Uncertain significance for Neuroblastoma, susceptibility to, 3. Last evaluated: 2026-01-25. Review status: criteria provided, single submitter. Criteria: Invitae Variant Classification Sherloc (09022015). Collection method: clinical testing. Allele origin: germline.
Comment: This sequence change replaces arginine, which is basic and polar, with tryptophan, which is neutral and slightly polar, at codon 1347 of the ALK protein (p.Arg1347Trp). This variant is not present in population databases (gnomAD no frequency). This variant has not been reported in the literature in individuals affected with ALK-related conditions. ClinVar contains an entry for this variant (Variation ID: 1045895). An algorithm developed to predict the effect of missense changes on protein structure and function (PolyPhen-2) suggests that this variant is likely to be disruptive. In summary, the available evidence is currently insufficient to determine the role of this variant in disease. Therefore, it has been classified as a Variant of Uncertain Significance.

Ambry Genetics
Classification: Uncertain significance for Hereditary cancer-predisposing syndrome. Last evaluated: 2025-01-31. Review status: criteria provided, single submitter. Criteria: Ambry Variant Classification Scheme 2023. Collection method: clinical testing. Allele origin: germline.
Comment: The p.R1347W variant (also known as c.4039C>T), located in coding exon 27 of the ALK gene, results from a C to T substitution at nucleotide position 4039. The arginine at codon 1347 is replaced by tryptophan, an amino acid with dissimilar properties. This amino acid position is highly conserved in available vertebrate species. In addition, this alteration is predicted to be deleterious by in silico analysis. Since supporting evidence is limited at this time, the clinical significance of this alteration remains unclear.

NM_004304.5(ALK):c.4039C>T (p.Arg1347Trp)

Gene: ALK (ALK receptor tyrosine kinase; minus strand). Cytogenetic location: 2p23.2.
Variant type: single nucleotide variant.
Coding change: c.4039C>T on transcript NM_004304.5 (MANE Select); coding-DNA position 4039, C replaced by T.
Protein change: p.Arg1347Trp; replaces arginine 1347 with tryptophan.
Molecular consequence: missense variant.
Genome position (GRCh38, 1-based): chr2:29,197,576, G>A on the plus strand (C>T on the coding strand, the complement: ALK is on the minus strand). VCF-style: chr2-29197576-G-A. GRCh37 (hg19) VCF-style: chr2-29420442-G-A.
Other names: c.835C>T, p.Arg279Trp (NM_001353765.2); short protein forms R1347W, R279W.
Identifiers: ClinVar variation 1045895 (VCV001045895.10), dbSNP rs865887581, ClinGen allele CA44638071.
Genomic context (GRCh38, chr2:29,197,576, plus strand): 5'-CAGAAGTGTTCCTAAAAGAGTCATACACAGGCCCAGGGCAGTTCTTGGGTGGGTCCATCC[G>A]GCCTCCACTGGTGACAAACTCCAGAACTTCCTGGTTGCTTTTGCTGGGGTATGGCATATA-3'
Protein context (NP_004295.2, residues 1337-1357): EVLEFVTSGG[Arg1347Trp]MDPPKNCPGP